The following is an entry in ClinVar:

NM_001365088.1(SLC12A6):c.2003G>A (p.Arg668Gln)

Gene: SLC12A6 (solute carrier family 12 member 6; minus strand). Cytogenetic location: 15q14.
Variant type: single nucleotide variant.
Coding change: c.2003G>A on transcript NM_001365088.1 (MANE Select); coding-DNA position 2003, G replaced by A.
Protein change: p.Arg668Gln; replaces arginine 668 with glutamine.
Molecular consequence: missense variant.
Genome position (GRCh38, 1-based): chr15:34,244,013, C>T on the plus strand (G>A on the coding strand, the complement: SLC12A6 is on the minus strand). VCF-style: chr15-34244013-C-T. GRCh37 (hg19) VCF-style: chr15-34536214-C-T.
Other names: c.1826G>A, p.Arg609Gln (NM_001042494.2, NM_001042495.2); c.1976G>A, p.Arg659Gln (NM_001042496.2); c.1958G>A, p.Arg653Gln (NM_001042497.2); c.1850G>A, p.Arg617Gln (NM_005135.2); c.2003G>A, p.Arg668Gln (NM_133647.2); short protein forms R617Q, R668Q, R609Q, R659Q, R653Q.
Identifiers: ClinVar variation 426922 (VCV000426922.6), dbSNP rs779359867, ClinGen allele CA7464170.

ClinVar aggregate classification (germline): Uncertain significance. Review status: criteria provided, multiple submitters, no conflicts (2 of 4 stars). 3 submissions from 3 submitters: Uncertain significance (2). 1 of the submissions does not count toward it. Last evaluated 2024-08-14.

Conditions:
Agenesis of the corpus callosum with peripheral neuropathy (ACCPN). Also called: HMSN/ACC; POLYNEUROPATHY, SENSORIMOTOR, WITH OR WITHOUT AGENESIS OF THE CORPUS CALLOSUM; CHARLEVOIX DISEASE; Hereditary Motor and Sensory Neuropathy with Agenesis of the Corpus Callosum. Identifiers: Orphanet 1496, MedGen C0795950, MONDO:0000902, OMIM 218000. Disease mechanism: loss of function.

Allele frequency attached by ClinVar (database versions not stated): ExAC 0.00001; gnomAD 0.00001 and 0.00002; TOPMed 0.00001; gnomAD exomes 0.00003.
gnomAD v4.1: 51 of 1,609,764 alleles (0.0032%); highest among the groups gnomAD compares: Admixed American, 0.0083%; no homozygotes.

Submissions (3):

Labcorp Genetics (formerly Invitae), Labcorp
Classification: Uncertain significance. Last evaluated: 2024-08-14. Review status: criteria provided, single submitter. Criteria: Invitae Variant Classification Sherloc (09022015). Collection method: clinical testing. Allele origin: germline.
Comment: This sequence change replaces arginine, which is basic and polar, with glutamine, which is neutral and polar, at codon 668 of the SLC12A6 protein (p.Arg668Gln). This variant is present in population databases (rs779359867, gnomAD 0.01%). This variant has not been reported in the literature in individuals affected with SLC12A6-related conditions. ClinVar contains an entry for this variant (Variation ID: 426922). Invitae Evidence Modeling of protein sequence and biophysical properties (such as structural, functional, and spatial information, amino acid conservation, physicochemical variation, residue mobility, and thermodynamic stability) indicates that this missense variant is not expected to disrupt SLC12A6 protein function with a negative predictive value of 80%. In summary, the available evidence is currently insufficient to determine the role of this variant in disease. Therefore, it has been classified as a Variant of Uncertain Significance.

GeneDx
Classification: Uncertain significance. Last evaluated: 2019-08-30. Review status: criteria provided, single submitter. Criteria: GeneDx Variant Classification Process June 2021. Collection method: clinical testing. Allele origin: germline. Affected: yes.
Comment: Not observed at a significant frequency in large population cohorts (Lek et al., 2016); In silico analysis, which includes protein predictors and evolutionary conservation, supports a deleterious effect; Has not been previously published as pathogenic or benign to our knowledge

Natera, Inc.
Classification: Uncertain significance for Andermann syndrome. Last evaluated: 2020-09-16. Review status: no assertion criteria provided. Collection method: clinical testing. Allele origin: germline. Not counted in ClinVar's aggregate classification.